The following is an entry in ClinVar:

ClinVar aggregate classification (germline): Conflicting classifications of pathogenicity. Review status: criteria provided, conflicting classifications (1 of 4 stars). 2 submissions from 1 submitter: Uncertain significance (1); Benign (1). Last evaluated 2018-01-13.

Conditions:
Hypoalphalipoproteinemia, primary, 1. Identifiers: Orphanet 425, MedGen C5231558, MONDO:0011393, OMIM 604091.
Tangier disease (TGD). Also called: HIGH DENSITY LIPOPROTEIN DEFICIENCY, TANGIER TYPE; HIGH DENSITY LIPOPROTEIN DEFICIENCY, TYPE 1; Cholesterol thesaurismosis. Identifiers: Orphanet 31150, MedGen C0039292, MONDO:0008783, OMIM 205400.

Allele frequency attached by ClinVar (database versions not stated): TOPMed 0.00013; gnomAD 0.00014 and 0.00017; 1000 Genomes Project 30x 0.00031; 1000 Genomes Project 0.00040.

Submissions (2):

Illumina Laboratory Services, Illumina
Classification: Benign for Hypoalphalipoproteinemia, primary, 1. Last evaluated: 2018-01-13. Review status: criteria provided, single submitter. Criteria: ICSL Variant Classification Criteria 13 December 2019. Collection method: clinical testing. Allele origin: germline.
Comment: This variant was observed in the ICSL laboratory as part of a predisposition screen in an ostensibly healthy population. It had not been previously curated by ICSL or reported in the Human Gene Mutation Database (HGMD: prior to June 1st, 2018), and was therefore a candidate for classification through an automated scoring system. Utilizing variant allele frequency, disease prevalence and penetrance estimates, and inheritance mode, an automated score was calculated to assess if this variant is too frequent to cause the disease. Based on the score and internal cut-off values, a variant classified as benign is not then subjected to further curation. The score for this variant resulted in a classification of benign for this disease.

Illumina Laboratory Services, Illumina
Classification: Uncertain significance for Tangier disease. Last evaluated: 2018-01-13. Review status: criteria provided, single submitter. Criteria: ICSL Variant Classification Criteria 13 December 2019. Collection method: clinical testing. Allele origin: germline.

NM_005502.4(ABCA1):c.*1218A>G

Genes: ABCA1 (ATP binding cassette subfamily A member 1; minus strand), NIPSNAP3B (nipsnap homolog 3B; plus strand). Cytogenetic location: 9q31.1.
Variant type: single nucleotide variant.
Coding change: c.*1218A>G on transcript NM_005502.4 (MANE Select); 1218 bases downstream of the stop codon, A replaced by G.
Molecular consequence: 3 prime UTR variant.
Genome position (GRCh38, 1-based): chr9:104,783,097, T>C on the plus strand (A>G on the coding strand, the complement: ABCA1 is on the minus strand). VCF-style: chr9-104783097-T-C. GRCh37 (hg19) VCF-style: chr9-107545378-T-C.
Identifiers: ClinVar variation 364357 (VCV000364357.5), dbSNP rs528656411, ClinGen allele CA10626140.